The following is an entry in ClinVar:

NM_018417.6(ADCY10):c.581G>A (p.Trp194Ter)

Genes: ADCY10 (adenylate cyclase 10; minus strand), DCAF6 (DDB1 and CUL4 associated factor 6; plus strand). Cytogenetic location: 1q24.2.
Variant type: single nucleotide variant.
Coding change: c.581G>A on transcript NM_018417.6 (MANE Select); coding-DNA position 581, G replaced by A.
Protein change: p.Trp194Ter; replaces tryptophan 194 with a stop codon.
Molecular consequence: nonsense.
Genome position (GRCh38, 1-based): chr1:167,899,484, C>T on the plus strand (G>A on the coding strand, the complement: ADCY10 is on the minus strand). VCF-style: chr1-167899484-C-T. GRCh37 (hg19) VCF-style: chr1-167868722-C-T.
Other names: c.122G>A, p.Trp41Ter (NM_001167749.3); c.305G>A, p.Trp102Ter (NM_001297772.2); short protein forms W102*, W194*, W41*.
Identifiers: ClinVar variation 1074185 (VCV001074185.5), dbSNP rs141422393, ClinGen allele CA1228246.
Genomic context (GRCh38, chr1:167,899,484, plus strand): 5'-TTAACTGCTCTCTGATCTGGAACACTCTCAATTTCAATCATGCTCCGGTCACAGAGCTGC[C>T]AGCAGTTTGGTGACAGAATAACATCATTCATCTGAGCCATGTTCTGGGCAAGGCGCACAT-3'

ClinVar aggregate classification (germline): Pathogenic (1 of 4 stars; one submission).

Allele frequency attached by ClinVar (database versions not stated): TOPMed 0.00005; ESP Exome Variant Server 0.00015; ExAC 0.00001; gnomAD 0.00001; gnomAD exomes 0.00002.
gnomAD v4.1: 24 of 1,614,098 alleles (0.0015%); highest among the groups gnomAD compares: Non-Finnish European, 0.0019%; no homozygotes.

Submission:

Labcorp Genetics (formerly Invitae), Labcorp
Classification: Pathogenic. Last evaluated: 2023-08-07. Review status: criteria provided, single submitter. Criteria: Invitae Variant Classification Sherloc (09022015). Collection method: clinical testing. Allele origin: germline.
Comment: For these reasons, this variant has been classified as Pathogenic. ClinVar contains an entry for this variant (Variation ID: 1074185). This variant has not been reported in the literature in individuals affected with ADCY10-related conditions. This variant is present in population databases (rs141422393, gnomAD 0.004%). This sequence change creates a premature translational stop signal (p.Trp194*) in the ADCY10 gene. It is expected to result in an absent or disrupted protein product. Loss-of-function variants in ADCY10 are known to be pathogenic (PMID: 31119281).

Literature cited by the submitters: PubMed 31119281.